The following is an entry in ClinVar:

ClinVar aggregate classification (germline): Uncertain significance (1 of 4 stars; one submission).

Allele frequency attached by ClinVar (database versions not stated): TOPMed below 0.00001.

Submission:

Labcorp Genetics (formerly Invitae), Labcorp
Classification: Uncertain significance. Last evaluated: 2023-05-20. Review status: criteria provided, single submitter. Criteria: Invitae Variant Classification Sherloc (09022015). Collection method: clinical testing. Allele origin: germline.
Comment: This sequence change replaces arginine, which is basic and polar, with serine, which is neutral and polar, at codon 107 of the IGF2 protein (p.Arg107Ser). In summary, the available evidence is currently insufficient to determine the role of this variant in disease. Therefore, it has been classified as a Variant of Uncertain Significance. An algorithm developed to predict the effect of missense changes on protein structure and function (PolyPhen-2) suggests that this variant is likely to be tolerated. This variant has not been reported in the literature in individuals affected with IGF2-related conditions. This variant is not present in population databases (gnomAD no frequency).

NM_000612.6(IGF2):c.321A>C (p.Arg107Ser)

Genes: IGF2 (insulin like growth factor 2; minus strand), INS-IGF2 (INS-IGF2 readthrough; minus strand). Cytogenetic location: 11p15.5.
Variant type: single nucleotide variant.
Coding change: c.321A>C on transcript NM_000612.6 (MANE Select); coding-DNA position 321, A replaced by C.
Protein change: p.Arg107Ser; replaces arginine 107 with serine.
Molecular consequence: missense variant. On other transcripts: non-coding transcript variant (1).
Genome position (GRCh38, 1-based): chr11:2,133,209, T>G on the plus strand (A>C on the coding strand, the complement: IGF2 is on the minus strand). VCF-style: chr11-2133209-T-G. GRCh37 (hg19) VCF-style: chr11-2154439-T-G.
Other names: c.321A>C, p.Arg107Ser (NM_001007139.6, NM_001291861.3, NM_001291862.3); c.489A>C, p.Arg163Ser (NM_001127598.3); short protein forms R107S, R163S.
Identifiers: ClinVar variation 3010214 (VCV003010214.3), dbSNP rs761665707, ClinGen allele CA379113382.
Genomic context (GRCh38, chr11:2,133,209, plus strand): 5'-GCGCAGGCGCTGGGTGGACTGCTTCCAGGTGTCATATTGGAAGAACTTGCCCACGGGGTA[T>G]CTGGGGAAGTTGTCCTGGGAGGGGAAGGGGCTGGTCAGCAGGTGCCTGCTCTCCACGCTC-3'
Protein context (NP_000603.1, residues 97-117): PPTVLPDNFP[Arg107Ser]YPVGKFFQYD